The following is an entry in ClinVar:

ClinVar aggregate classification (germline): Benign/Likely benign. Review status: criteria provided, multiple submitters, no conflicts (2 of 4 stars). 6 submissions from 6 submitters: Benign (2); Likely benign (3). 1 of the submissions does not count toward it. Last evaluated 2026-03-13.

Conditions:
Becker muscular dystrophy (BMD). Also called: Becker Muscular Dystrophy (BMD); MUSCULAR DYSTROPHY, PSEUDOHYPERTROPHIC PROGRESSIVE, BECKER TYPE. Identifiers: Orphanet 98895, MedGen C0917713, MONDO:0010311, OMIM 300376.
Duchenne muscular dystrophy (DMD). Also called: Duchenne Muscular Dystrophy (DMD); MUSCULAR DYSTROPHY, PSEUDOHYPERTROPHIC PROGRESSIVE, DUCHENNE TYPE. Identifiers: Orphanet 98896, MedGen C0013264, MONDO:0010679, OMIM 310200.
Dystrophin deficiency.
Cardiomyopathy (CMYO). Also called: Cardiomyopathies. Identifiers: Orphanet 167848, MedGen C0878544, MONDO:0004994, HP:0001638. Inheritance: Various modes of inheritance.
Cardiovascular phenotype. Identifiers: MedGen CN230736.

Allele frequency attached by ClinVar (database versions not stated): gnomAD exomes 0.00002 and 0.00010; TOPMed 0.00002; ExAC 0.00009.
gnomAD v4.1: 24 of 1,208,488 alleles (0.002%); highest among the groups gnomAD compares: Admixed American, 0.052%; no homozygotes.

Submissions (6):

Women's Health and Genetics/Laboratory Corporation of America, LabCorp
Classification: Benign. Last evaluated: 2026-03-13. Review status: criteria provided, single submitter. Criteria: LabCorp Variant Classification Summary - May 2015. Collection method: clinical testing. Allele origin: germline.

CeGaT Center for Human Genetics Tuebingen
Classification: Likely benign. Last evaluated: 2026-02-01. Review status: criteria provided, single submitter. Criteria: CeGaT Center For Human Genetics Tuebingen Variant Classification Criteria Version 2. Collection method: clinical testing. Allele origin: germline. Affected: yes. Observed: 1 variant allele.
Comment: DMD: BP4, BP7, BS2

Labcorp Genetics (formerly Invitae), Labcorp
Classification: Benign for Duchenne muscular dystrophy. Last evaluated: 2025-11-26. Review status: criteria provided, single submitter. Criteria: Invitae Variant Classification Sherloc (09022015). Collection method: clinical testing. Allele origin: germline.

Ambry Genetics
Classification: Likely benign for Cardiovascular phenotype. Last evaluated: 2024-11-27. Review status: criteria provided, single submitter. Criteria: Ambry Variant Classification Scheme 2023. Collection method: clinical testing. Allele origin: germline.

ARUP Laboratories, Molecular Genetics and Genomics, ARUP Laboratories
Classification: Likely benign. Last evaluated: 2018-09-20. Review status: criteria provided, single submitter. Criteria: ARUP Molecular Germline Variant Investigation Process. Collection method: clinical testing. Allele origin: germline.

Natera, Inc.
Classification: Likely benign for Becker muscular dystrophy; Cardiomyopathy; Duchenne muscular dystrophy; Dystrophin deficiency. Last evaluated: 2019-07-02. Review status: no assertion criteria provided. Collection method: clinical testing. Allele origin: germline. Not counted in ClinVar's aggregate classification.

NM_004006.3(DMD):c.6414T>C (p.His2138=)

Gene: DMD (dystrophin; minus strand). Cytogenetic location: Xp21.1.
Variant type: single nucleotide variant.
Coding change: c.6414T>C on transcript NM_004006.3 (MANE Select); coding-DNA position 6414, T replaced by C.
Protein change: p.His2138=; no amino-acid change (histidine 2138 retained).
Molecular consequence: synonymous variant.
Genome position (GRCh38, 1-based): chrX:32,216,940, A>G on the plus strand (T>C on the coding strand, the complement: DMD is on the minus strand). VCF-style: chrX-32216940-A-G. GRCh37 (hg19) VCF-style: chrX-32235057-A-G.
Other names: c.6390T>C, p.His2130= (NM_000109.4); c.6402T>C, p.His2134= (NM_004009.3); c.6045T>C, p.His2015= (NM_004010.3); c.2391T>C, p.His797= (NM_004011.4); c.2382T>C, p.His794= (NM_004012.4).
Identifiers: ClinVar variation 415851 (VCV000415851.26), dbSNP rs753999355, ClinGen allele CA10378475.